The following is an entry in ClinVar:

ClinVar aggregate classification (germline): Uncertain significance. Review status: criteria provided, multiple submitters, no conflicts (2 of 4 stars). 6 submissions from 6 submitters: Uncertain significance (5). 1 of the submissions does not count toward it. Last evaluated 2025-12-24.

Conditions:
Hereditary cancer-predisposing syndrome. Also called: Tumor predisposition; Hereditary Cancer Syndrome; Hereditary neoplastic syndrome; Neoplastic Syndromes, Hereditary. Identifiers: Orphanet 140162, MedGen C0027672, MeSH D009386, MONDO:0015356.
Familial cancer of breast. Also called: BREAST CANCER, FAMILIAL; hereditary breast carcinoma; Hereditary breast cancer. Identifiers: Orphanet 227535, MedGen C0346153, MONDO:0016419, OMIM 114480. Disease mechanism: loss of function.
Ataxia-telangiectasia syndrome (AT). Also called: LOUIS-BAR SYNDROME; Cerebello-oculocutaneous telangiectasia; Immunodeficiency with ataxia telangiectasia; ATAXIA-TELANGIECTASIA, COMPLEMENTATION GROUP A; ATAXIA-TELANGIECTASIA, FRESNO VARIANT; Ataxia-telangiectasia. Identifiers: Orphanet 100, MedGen C0004135, MONDO:0008840, OMIM 208900.

Allele frequency attached by ClinVar (database versions not stated): TOPMed below 0.00001; ExAC 0.00002; gnomAD exomes 0.00002.
gnomAD v4.1: 28 of 1,613,312 alleles (0.0017%); highest among the groups gnomAD compares: East Asian, 0.016%; no homozygotes.

Submissions (6):

Labcorp Genetics (formerly Invitae), Labcorp
Classification: Uncertain significance for Ataxia-telangiectasia syndrome. Last evaluated: 2025-12-24. Review status: criteria provided, single submitter. Criteria: Invitae Variant Classification Sherloc (09022015). Collection method: clinical testing. Allele origin: germline.
Comment: This sequence change replaces serine, which is neutral and polar, with leucine, which is neutral and non-polar, at codon 706 of the ATM protein (p.Ser706Leu). This variant is present in population databases (rs779004090, gnomAD 0.006%). This missense change has been observed in individual(s) with breast cancer (PMID: 30287823). ClinVar contains an entry for this variant (Variation ID: 185607). Invitae Evidence Modeling of protein sequence and biophysical properties (such as structural, functional, and spatial information, amino acid conservation, physicochemical variation, residue mobility, and thermodynamic stability) indicates that this missense variant is not expected to disrupt ATM protein function with a negative predictive value of 95%. In summary, the available evidence is currently insufficient to determine the role of this variant in disease. Therefore, it has been classified as a Variant of Uncertain Significance.

Ambry Genetics
Classification: Uncertain significance for Hereditary cancer-predisposing syndrome. Last evaluated: 2024-03-21. Review status: criteria provided, single submitter. Criteria: Ambry Variant Classification Scheme 2023. Collection method: clinical testing. Allele origin: germline.
Comment: The p.S706L variant (also known as c.2117C>T), located in coding exon 12 of the ATM gene, results from a C to T substitution at nucleotide position 2117. The serine at codon 706 is replaced by leucine, an amino acid with dissimilar properties. This amino acid position is well conserved in available vertebrate species. In addition, this alteration is predicted to be tolerated by in silico analysis. Since supporting evidence is limited at this time, the clinical significance of this alteration remains unclear.

Department of Pathology and Laboratory Medicine, Sinai Health System
Classification: Uncertain significance for Familial cancer of breast. Last evaluated: 2023-01-12. Review status: criteria provided, single submitter. Criteria: ACMG Guidelines, 2015. Collection method: clinical testing. Allele origin: germline. Affected: yes.

GeneDx
Classification: Uncertain significance. Last evaluated: 2022-11-09. Review status: criteria provided, single submitter. Criteria: GeneDx Variant Classification Process June 2021. Collection method: clinical testing. Allele origin: germline. Affected: yes.
Comment: Not observed at significant frequency in large population cohorts (gnomAD); In silico analysis supports that this missense variant does not alter protein structure/function; Observed in individuals with breast cancer as well as in unaffected controls (Momozawa et al., 2018); This variant is associated with the following publications: (PMID: 33536367, 30287823)

Color Diagnostics, LLC DBA Color Health
Classification: Uncertain significance for Hereditary cancer-predisposing syndrome. Last evaluated: 2020-10-20. Review status: criteria provided, single submitter. Criteria: ACMG Guidelines, 2015. Collection method: clinical testing. Allele origin: germline.
Comment: This missense variant replaces serine with leucine at codon 706 of the ATM protein. Computational prediction suggests that this variant may not impact protein structure and function (internally defined REVEL score threshold <= 0.5, PMID: 27666373). To our knowledge, functional studies have not been reported for this variant. This variant has been reported in individuals affected with breast cancer and in unaffected individuals (PMID: 30287823). This variant has also been identified in 6/250312 chromosomes in the general population by the Genome Aggregation Database (gnomAD). The available evidence is insufficient to determine the role of this variant in disease conclusively. Therefore, this variant is classified as a Variant of Uncertain Significance.

Natera, Inc.
Classification: Uncertain significance for Ataxia-telangiectasia. Last evaluated: 2020-08-12. Review status: no assertion criteria provided. Collection method: clinical testing. Allele origin: germline. Not counted in ClinVar's aggregate classification.

Literature cited by the submitters: PubMed 30287823 (cited by 3 submitters); PubMed 33471991 (cited by Department of Pathology and Laboratory Medicine, Sinai Health System).

NM_000051.4(ATM):c.2117C>T (p.Ser706Leu)

Gene: ATM (ATM serine/threonine kinase; plus strand). Cytogenetic location: 11q22.3.
Variant type: single nucleotide variant.
Coding change: c.2117C>T on transcript NM_000051.4 (MANE Select); coding-DNA position 2117, C replaced by T.
Protein change: p.Ser706Leu; replaces serine 706 with leucine.
Molecular consequence: missense variant.
Genome position (GRCh38, 1-based): chr11:108,254,032, C>T. VCF-style: chr11-108254032-C-T. GRCh37 (hg19) VCF-style: chr11-108124759-C-T.
Other names: c.2117C>T, p.Ser706Leu (NM_001351834.2); c.2117C>T (NM_000051.2); short protein forms S706L.
Identifiers: ClinVar variation 185607 (VCV000185607.24), dbSNP rs779004090, ClinGen allele CA192403.